The following is an entry in ClinVar:

NM_001173990.3(TMEM216):c.123A>T (p.Ile41=)

Gene: TMEM216 (transmembrane protein 216; plus strand). Cytogenetic location: 11q12.2.
Variant type: single nucleotide variant.
Coding change: c.123A>T on transcript NM_001173990.3 (MANE Select); coding-DNA position 123, A replaced by T.
Protein change: p.Ile41=; no amino-acid change (isoleucine 41 retained).
Molecular consequence: synonymous variant. On other transcripts: 5 prime UTR variant (2).
Genome position (GRCh38, 1-based): chr11:61,393,319, A>T. VCF-style: chr11-61393319-A-T. GRCh37 (hg19) VCF-style: chr11-61160791-A-T.
Other names: c.123A>T, p.Ile41= (NM_001173991.3); c.-61A>T (NM_001330285.2, NM_016499.6); c.123A>T (NM_001173991.2).
Identifiers: ClinVar variation 498870 (VCV000498870.22), dbSNP rs900061092, ClinGen allele CA222895126.

ClinVar aggregate classification (germline): Conflicting classifications of pathogenicity. Review status: criteria provided, conflicting classifications (1 of 4 stars). 6 submissions from 6 submitters: Uncertain significance (1); Likely benign (3). 2 of the submissions do not count toward it. Last evaluated 2026-04-01.

Conditions:
TMEM216-related disorder. Also called: TMEM216-related disorders; TMEM216-related condition.
Joubert syndrome 2 (JBTS2). Also called: CEREBELLOOCULORENAL SYNDROME 2. Identifiers: Orphanet 2318, MedGen C1842577, MONDO:0011963, OMIM 608091.
Joubert syndrome. Also called: Familial aplasia of the vermis; JOUBERT-BOLTSHAUSER SYNDROME. Identifiers: Orphanet 475, MedGen C5979921, MONDO:0018772.

Allele frequency attached by ClinVar (database versions not stated): TOPMed 0.00005; gnomAD 0.00006; gnomAD exomes 0.00012.
gnomAD v4.1: 29 of 1,534,630 alleles (0.0019%); highest among the groups gnomAD compares: Admixed American, 0.027%; no homozygotes.

Submissions (6):

CeGaT Center for Human Genetics Tuebingen
Classification: Likely benign. Last evaluated: 2026-04-01. Review status: criteria provided, single submitter. Criteria: CeGaT Center For Human Genetics Tuebingen Variant Classification Criteria Version 2. Collection method: clinical testing. Allele origin: germline. Affected: yes. Observed: 1 variant allele.
Comment: TMEM216: BP4, BP7

Labcorp Genetics (formerly Invitae), Labcorp
Classification: Likely benign for Joubert syndrome. Last evaluated: 2025-12-31. Review status: criteria provided, single submitter. Criteria: Invitae Variant Classification Sherloc (09022015). Collection method: clinical testing. Allele origin: germline.

Blueprint Genetics
Classification: Likely benign. Last evaluated: 2024-10-14. Review status: criteria provided, single submitter. Criteria: ACMG Guidelines, 2015. Collection method: clinical testing. Allele origin: germline.

Eurofins Ntd Llc (ga)
Classification: Uncertain significance. Last evaluated: 2017-01-06. Review status: criteria provided, single submitter. Criteria: EGL Classification Definitions 2015. Collection method: clinical testing. Allele origin: germline. Observed: 2 variant alleles, 2 heterozygotes.

PreventionGenetics, part of Exact Sciences
Classification: Likely benign for TMEM216-related condition. Last evaluated: 2021-12-09. Review status: no assertion criteria provided. Collection method: clinical testing. Allele origin: germline. Not counted in ClinVar's aggregate classification.
Comment: This variant is classified as likely benign based on ACMG/AMP sequence variant interpretation guidelines (Richards et al. 2015 PMID: 25741868, with internal and published modifications).

Natera, Inc.
Classification: Uncertain significance for Joubert syndrome type 2. Last evaluated: 2020-04-14. Review status: no assertion criteria provided. Collection method: clinical testing. Allele origin: germline. Not counted in ClinVar's aggregate classification.